The following is an entry in ClinVar:

NM_001035.3(RYR2):c.13213C>T (p.Leu4405Phe)

Genes: RYR2 (ryanodine receptor 2; plus strand), LOC126806068 (BRD4-independent group 4 enhancer GRCh37_chr1:237947411-237948610; plus strand). Cytogenetic location: 1q43.
Variant type: single nucleotide variant.
Coding change: c.13213C>T on transcript NM_001035.3 (MANE Select); coding-DNA position 13213, C replaced by T.
Protein change: p.Leu4405Phe; replaces leucine 4405 with phenylalanine.
Molecular consequence: missense variant.
Genome position (GRCh38, 1-based): chr1:237,784,925, C>T. VCF-style: chr1-237784925-C-T. GRCh37 (hg19) VCF-style: chr1-237948225-C-T.
Other names: c.13213C>T, p.Leu4405Phe (LRG_402t1); short protein forms L4405F.
Identifiers: ClinVar variation 598327 (VCV000598327.11), dbSNP rs568257273, ClinGen allele CA085309.

ClinVar aggregate classification (germline): Conflicting classifications of pathogenicity. Review status: criteria provided, conflicting classifications (1 of 4 stars). 3 submissions from 3 submitters: Uncertain significance (2); Likely benign (1). Last evaluated 2025-11-10.

Conditions:
Catecholaminergic polymorphic ventricular tachycardia 1. Also called: VENTRICULAR TACHYCARDIA, STRESS-INDUCED POLYMORPHIC 1; RYR2-Related Catecholaminergic Polymorphic Ventricular Tachycardia; VENTRICULAR TACHYCARDIA, CATECHOLAMINERGIC POLYMORPHIC, 1, WITH OR WITHOUT ATRIAL DYSFUNCTION AND/OR DILATED CARDIOMYOPATHY. Identifiers: Orphanet 3286, MedGen C1631597, MONDO:0011484, OMIM 604772.
Cardiomyopathy (CMYO). Also called: Cardiomyopathies. Identifiers: Orphanet 167848, MedGen C0878544, MONDO:0004994, HP:0001638. Inheritance: Various modes of inheritance.

Allele frequency attached by ClinVar (database versions not stated): ExAC 0.00001; gnomAD 0.00001; gnomAD exomes 0.00001 and 0.00002; 1000 Genomes Project 30x 0.00016; 1000 Genomes Project 0.00020.
gnomAD v4.1: 21 of 1,607,668 alleles (0.0013%); highest among the groups gnomAD compares: South Asian, 0.023%; no homozygotes.

Submissions (3):

Color Diagnostics, LLC DBA Color Health
Classification: Uncertain significance for Cardiomyopathy. Last evaluated: 2025-11-10. Review status: criteria provided, single submitter. Criteria: ACMG Guidelines, 2015. Collection method: clinical testing. Allele origin: germline.
Comment: This variant is located in the RYR2 protein. Computational prediction suggests that this variant may not impact protein structure and function. To our knowledge, functional studies have not been reported for this variant. This variant has not been reported in individuals affected with cardiovascular disorders in the literature. This variant has been identified in 4/234840 chromosomes in the general population by the Genome Aggregation Database (gnomAD). The available evidence is insufficient to determine the role of this variant in disease conclusively. Therefore, this variant is classified as a Variant of Uncertain Significance.

Labcorp Genetics (formerly Invitae), Labcorp
Classification: Likely benign for Catecholaminergic polymorphic ventricular tachycardia 1. Last evaluated: 2025-10-29. Review status: criteria provided, single submitter. Criteria: Invitae Variant Classification Sherloc (09022015). Collection method: clinical testing. Allele origin: germline.

Eurofins Ntd Llc (ga)
Classification: Uncertain significance. Last evaluated: 2018-08-16. Review status: criteria provided, single submitter. Criteria: EGL ClinVar v180209 classification definitions. Collection method: clinical testing. Allele origin: germline. Observed: 1 variant allele, 1 heterozygote.